The following is an entry in ClinVar:

NM_005477.3(HCN4):c.3488C>T (p.Pro1163Leu)

Gene: HCN4 (hyperpolarization activated cyclic nucleotide gated potassium channel 4; minus strand). Cytogenetic location: 15q24.1.
Variant type: single nucleotide variant.
Coding change: c.3488C>T on transcript NM_005477.3 (MANE Select); coding-DNA position 3488, C replaced by T.
Protein change: p.Pro1163Leu; replaces proline 1163 with leucine.
Molecular consequence: missense variant.
Genome position (GRCh38, 1-based): chr15:73,322,605, G>A on the plus strand (C>T on the coding strand, the complement: HCN4 is on the minus strand). VCF-style: chr15-73322605-G-A. GRCh37 (hg19) VCF-style: chr15-73614946-G-A.
Other names: c.3488C>T (NM_005477.2); short protein forms P1163L.
Identifiers: ClinVar variation 2154293 (VCV002154293.7), dbSNP rs756052150, ClinGen allele CA272663151.
Genomic context (GRCh38, chr15:73,322,605, plus strand): 5'-CCAGCAGTCAGAGGGGGCCCCCCAGAAGAGGTGGCTCTTGCCCCAAACAAAGACAGAGGG[G>A]GTGGCAAAGAACCTGAGGATGTCTTCCGAGGCAGAGTGACGTGCTGGCCGGGGATGGCAC-3'
Protein context (NP_005468.1, residues 1153-1173): PRKTSSGSLP[Pro1163Leu]PLSLFGARAT

ClinVar aggregate classification (germline): Uncertain significance. Review status: criteria provided, multiple submitters, no conflicts (2 of 4 stars). 4 submissions from 4 submitters: Uncertain significance (4). Last evaluated 2024-11-18.

Conditions:
Cardiovascular phenotype. Identifiers: MedGen CN230736.
Brugada syndrome 8 (BRGDA8). Identifiers: Orphanet 130, MedGen C2751083, MONDO:0013148, OMIM 613123.
Sick sinus syndrome 2, autosomal dominant (SSS2). Also called: SINUS BRADYCARDIA SYNDROME, FAMILIAL, AUTOSOMAL DOMINANT; SINUS NODE DISEASE, FAMILIAL, AUTOSOMAL DOMINANT; SICK SINUS SYNDROME 2; SICK SINUS SYNDROME 2 WITH OR WITHOUT CARDIAC NONCOMPACTION AND/OR ASCENDING AORTA DILATION; ATRIAL FIBRILLATION WITH BRADYARRHYTHMIA. Identifiers: Orphanet 166282, MedGen C1834144, MONDO:0008102, OMIM 163800.

Submissions (4):

Ambry Genetics
Classification: Uncertain significance for Cardiovascular phenotype. Last evaluated: 2024-11-18. Review status: criteria provided, single submitter. Criteria: Ambry Variant Classification Scheme 2023. Collection method: clinical testing. Allele origin: germline.
Comment: The p.P1163L variant (also known as c.3488C>T), located in coding exon 8 of the HCN4 gene, results from a C to T substitution at nucleotide position 3488. The proline at codon 1163 is replaced by leucine, an amino acid with similar properties. This amino acid position is conserved. In addition, the in silico prediction for this alteration is inconclusive. Based on the available evidence, the clinical significance of this variant remains unclear.

Blueprint Genetics
Classification: Uncertain significance. Last evaluated: 2024-09-30. Review status: criteria provided, single submitter. Criteria: ACMG Guidelines, 2015. Collection method: clinical testing. Allele origin: germline.

Labcorp Genetics (formerly Invitae), Labcorp
Classification: Uncertain significance for Brugada syndrome 8. Last evaluated: 2024-09-16. Review status: criteria provided, single submitter. Criteria: Invitae Variant Classification Sherloc (09022015). Collection method: clinical testing. Allele origin: germline.
Comment: This sequence change replaces proline, which is neutral and non-polar, with leucine, which is neutral and non-polar, at codon 1163 of the HCN4 protein (p.Pro1163Leu). This variant is present in population databases (no rsID available, gnomAD 0.003%). This variant has not been reported in the literature in individuals affected with HCN4-related conditions. ClinVar contains an entry for this variant (Variation ID: 2154293). Invitae Evidence Modeling of protein sequence and biophysical properties (such as structural, functional, and spatial information, amino acid conservation, physicochemical variation, residue mobility, and thermodynamic stability) indicates that this missense variant is not expected to disrupt HCN4 protein function with a negative predictive value of 95%. In summary, the available evidence is currently insufficient to determine the role of this variant in disease. Therefore, it has been classified as a Variant of Uncertain Significance.

Victorian Clinical Genetics Services, Murdoch Childrens Research Institute
Classification: Uncertain significance for Sick sinus syndrome 2, autosomal dominant. Last evaluated: 2023-07-16. Review status: criteria provided, single submitter. Criteria: ACMG Guidelines, 2015. Collection method: clinical testing. Allele origin: germline. Inheritance: Autosomal dominant inheritance. Affected: yes.
Comment: Based on the classification scheme VCGS_Germline_v1.3.4, this variant is classified as VUS-3B. Following criteria are met: 0102 - Loss of function is a known mechanism of disease in this gene and is associated with sick sinus syndrome 2 (MIM#163800). Gain of function has also been reported, associated with inappropriate sinus tachycardia (PMID: 28182231). (I) 0107 - This gene is associated with autosomal dominant disease. (I) 0200 - Variant is predicted to result in a missense amino acid change from proline to leucine. (I) 0251 - This variant is heterozygous. (I) 0302 - Variant is present in gnomAD (v2 & v3) <0.001 for a dominant condition (5 heterozygotes, 0 homozygotes). (SP) 0309 - Multiple alternative amino acid changes at the same position have been observed in gnomAD (v2 & v3) (highest allele count: 20 heterozygotes, 0 homozygotes). (I) 0502 - Missense variant with conflicting in silico predictions and uninformative conservation. (I) 0604 - Variant is not located in an established domain, motif, hotspot or informative constraint region. (I) 0710 - Other missense variants comparable to the one identified in this case have inconclusive previous evidence for pathogenicity. p.(Pro1163His) and p.(Pro1163Thr) have been reported as VUS by clinical diagnostic laboratories (ClinVar). (I) 0807 - This variant has no previous evidence of pathogenicity. (I) 0905 - No published segregation evidence has been identified for this variant. (I) 1007 - No published functional evidence has been identified for this variant. (I) 1208 - Inheritance information for this variant is not currently available in this individual. (I) Legend: (SP) - Supporting pathogenic, (I) - Information, (SB) - Supporting benign

Literature cited by the submitters: PubMed 28182231 (cited by Victorian Clinical Genetics Services, Murdoch Childrens Research Institute).